The following is an entry in ClinVar:

NM_001289125.3(IFNAR2):c.1193G>A (p.Arg398Lys)

Genes: IFNAR2 (interferon alpha and beta receptor subunit 2; plus strand), IFNAR2-IL10RB (IFNAR2-IL10RB readthrough; plus strand). Cytogenetic location: 21q22.11.
Variant type: single nucleotide variant.
Coding change: c.1193G>A on transcript NM_001289125.3 (MANE Select); coding-DNA position 1193, G replaced by A.
Protein change: p.Arg398Lys; replaces arginine 398 with lysine.
Molecular consequence: missense variant. On other transcripts: 3 prime UTR variant (5).
Genome position (GRCh38, 1-based): chr21:33,263,145, G>A. VCF-style: chr21-33263145-G-A. GRCh37 (hg19) VCF-style: chr21-34635450-G-A.
Other names: c.*429G>A (NM_000874.5, NM_207584.3); c.*342G>A (NM_001289126.2, NM_001289128.2); c.*568G>A (NM_001385054.1); c.1193G>A, p.Arg398Lys (NM_001385055.1, NM_207585.3); short protein forms R398K.
Identifiers: ClinVar variation 1401937 (VCV001401937.8), dbSNP rs2123543002, ClinGen allele CA410105365.
Genomic context (GRCh38, chr21:33,263,145, plus strand): 5'-CCACGATGCCAAAGGACAGCCCTCAGCAGTTGGAACTCTTGAGTGGGCCCTGTGAGAGGA[G>A]AAAGAGTCCACTCCAGGACCCTTTTCCCGAAGAGGACTACAGCTCCACGGAGGGGTCTGG-3'
Protein context (NP_001276054.1, residues 388-408): LELLSGPCER[Arg398Lys]KSPLQDPFPE

ClinVar aggregate classification (germline): Uncertain significance (1 of 4 stars; one submission).

Allele frequency attached by ClinVar (database versions not stated): gnomAD exomes 0.00001.
gnomAD v4.1: 16 of 1,614,218 alleles (0.00099%); highest among the groups gnomAD compares: Non-Finnish European, 0.0013%; no homozygotes.

Submission:

Labcorp Genetics (formerly Invitae), Labcorp
Classification: Uncertain significance. Last evaluated: 2022-09-19. Review status: criteria provided, single submitter. Criteria: Invitae Variant Classification Sherloc (09022015). Collection method: clinical testing. Allele origin: germline.
Comment: Algorithms developed to predict the effect of missense changes on protein structure and function output the following: SIFT: "Tolerated"; PolyPhen-2: "Possibly Damaging"; Align-GVGD: "Class C0". The lysine amino acid residue is found in multiple mammalian species, which suggests that this missense change does not adversely affect protein function. In summary, the available evidence is currently insufficient to determine the role of this variant in disease. Therefore, it has been classified as a Variant of Uncertain Significance. ClinVar contains an entry for this variant (Variation ID: 1401937). This variant has not been reported in the literature in individuals affected with IFNAR2-related conditions. This variant is not present in population databases (gnomAD no frequency). This sequence change replaces arginine, which is basic and polar, with lysine, which is basic and polar, at codon 398 of the IFNAR2 protein (p.Arg398Lys).